The following is an entry in ClinVar:

ClinVar aggregate classification (germline): Uncertain significance (1 of 4 stars; one submission).

gnomAD v4.1: 4 of 1,613,820 alleles (0.00025%); highest among the groups gnomAD compares: Non-Finnish European, 0.00034%; no homozygotes.

Submission:

GeneDx
Classification: Uncertain significance. Last evaluated: 2024-12-23. Review status: criteria provided, single submitter. Criteria: GeneDx Variant Classification Process June 2021. Collection method: clinical testing. Allele origin: germline. Affected: yes.
Comment: Not observed at significant frequency in large population cohorts (gnomAD); In silico analysis indicates that this missense variant does not alter protein structure/function; Has not been previously published as pathogenic or benign to our knowledge

NM_001080517.3(SETD5):c.3862G>C (p.Gly1288Arg)

Gene: SETD5 (SET domain containing 5; plus strand). Cytogenetic location: 3p25.3.
Variant type: single nucleotide variant.
Coding change: c.3862G>C on transcript NM_001080517.3 (MANE Select); coding-DNA position 3862, G replaced by C.
Protein change: p.Gly1288Arg; replaces glycine 1288 with arginine.
Molecular consequence: missense variant.
Genome position (GRCh38, 1-based): chr3:9,475,624, G>C. VCF-style: chr3-9475624-G-C. GRCh37 (hg19) VCF-style: chr3-9517308-G-C.
Other names: c.3568G>C, p.Gly1190Arg (NM_001292043.2, NM_001349451.2); short protein forms G1190R, G1288R.
Identifiers: ClinVar variation 3906361 (VCV003906361.1).